The following is an entry in ClinVar:

NM_001349206.2(LPIN1):c.935G>C (p.Gly312Ala)

Genes: LPIN1 (lipin 1; plus strand), LOC126806147 (CDK7 strongly-dependent group 2 enhancer GRCh37_chr2:11919054-11920253; plus strand). Cytogenetic location: 2p25.1.
Variant type: single nucleotide variant.
Coding change: c.935G>C on transcript NM_001349206.2 (MANE Select); coding-DNA position 935, G replaced by C.
Protein change: p.Gly312Ala; replaces glycine 312 with alanine.
Molecular consequence: missense variant. On other transcripts: non-coding transcript variant (1).
Genome position (GRCh38, 1-based): chr2:11,779,623, G>C. VCF-style: chr2-11779623-G-C. GRCh37 (hg19) VCF-style: chr2-11919749-G-C.
Other names: c.827G>C (NM_145693.1); c.845G>C, p.Gly282Ala (NM_001261427.3); c.1082G>C, p.Gly361Ala (NM_001261428.3); c.827G>C, p.Gly276Ala (NM_001349199.2, NM_001349200.2, NM_001349201.2 and 1 more transcripts); c.932G>C, p.Gly311Ala (NM_001349202.2, NM_001349203.2); c.935G>C, p.Gly312Ala (NM_001349204.2, NM_001349205.2); c.1025G>C, p.Gly342Ala (NM_001349207.2); c.974G>C, p.Gly325Ala (NM_001349208.2); short protein forms G282A, G312A, G342A, G276A, G325A, G361A, G311A.
Identifiers: ClinVar variation 2835440 (VCV002835440.4), dbSNP rs2546118445, ClinGen allele CA345855479.

ClinVar aggregate classification (germline): Uncertain significance. Review status: criteria provided, multiple submitters, no conflicts (2 of 4 stars). 2 submissions from 2 submitters: Uncertain significance (2). Last evaluated 2024-11-08.

Conditions:
Inborn genetic diseases. Identifiers: MedGen C0950123, MeSH D030342.

Submissions (2):

Ambry Genetics
Classification: Uncertain significance for Inborn genetic diseases. Last evaluated: 2024-11-08. Review status: criteria provided, single submitter. Criteria: Ambry Variant Classification Scheme 2023. Collection method: clinical testing. Allele origin: germline.

Labcorp Genetics (formerly Invitae), Labcorp
Classification: Uncertain significance. Last evaluated: 2024-01-08. Review status: criteria provided, single submitter. Criteria: Invitae Variant Classification Sherloc (09022015). Collection method: clinical testing. Allele origin: germline.
Comment: This sequence change replaces glycine, which is neutral and non-polar, with alanine, which is neutral and non-polar, at codon 276 of the LPIN1 protein (p.Gly276Ala). This variant is not present in population databases (gnomAD no frequency). This variant has not been reported in the literature in individuals affected with LPIN1-related conditions. Advanced modeling of protein sequence and biophysical properties (such as structural, functional, and spatial information, amino acid conservation, physicochemical variation, residue mobility, and thermodynamic stability) performed at Invitae indicates that this missense variant is expected to disrupt LPIN1 protein function with a positive predictive value of 80%. In summary, the available evidence is currently insufficient to determine the role of this variant in disease. Therefore, it has been classified as a Variant of Uncertain Significance.